The following is an entry in ClinVar:

NM_001282597.3(CTNNA2):c.2629G>A (p.Val877Ile)

Gene: CTNNA2 (catenin alpha 2; plus strand). Cytogenetic location: 2p12.
Variant type: single nucleotide variant.
Coding change: c.2629G>A on transcript NM_001282597.3 (MANE Select); coding-DNA position 2629, G replaced by A.
Protein change: p.Val877Ile; replaces valine 877 with isoleucine.
Molecular consequence: missense variant.
Genome position (GRCh38, 1-based): chr2:80,647,639, G>A. VCF-style: chr2-80647639-G-A. GRCh37 (hg19) VCF-style: chr2-80874764-G-A.
Other names: c.2350G>A (NM_001164883.1); c.2350G>A, p.Val784Ile (NM_001164883.2); c.2587G>A, p.Val863Ile (NM_001282598.2); c.1522G>A, p.Val508Ile (NM_001282599.2); c.1381G>A, p.Val461Ile (NM_001282600.2); c.1525G>A, p.Val509Ile (NM_001320810.2); c.2485G>A, p.Val829Ile (NM_001399737.1, NM_004389.4); c.2485G>A (NM_004389.3); short protein forms V461I, V508I, V509I, V784I, V829I, V863I, V877I.
Identifiers: ClinVar variation 2629063 (VCV002629063.4), dbSNP rs201128941, ClinGen allele CA1735933.

ClinVar aggregate classification (germline): Uncertain significance. Review status: criteria provided, multiple submitters, no conflicts (2 of 4 stars). 3 submissions from 3 submitters: Uncertain significance (3). Last evaluated 2026-06-10.

Conditions:
CTNNA2-related disorder. Also called: CTNNA2-related condition.
Inborn genetic diseases. Identifiers: MedGen C0950123, MeSH D030342.

Allele frequency attached by ClinVar (database versions not stated): ExAC 0.00046; gnomAD 0.00052; gnomAD exomes 0.00097; TOPMed 0.00043; ESP Exome Variant Server 0.00106.
gnomAD v4.1: 1,468 of 1,613,142 alleles (0.091%); highest among the groups gnomAD compares: Non-Finnish European, 0.12%; 3 homozygotes.

Submissions (3):

Ambry Genetics
Classification: Uncertain significance for Inborn genetic diseases. Last evaluated: 2026-06-10. Review status: criteria provided, single submitter. Criteria: Ambry Variant Classification Scheme 2023. Collection method: clinical testing. Allele origin: germline.
Comment: The c.2485G>A (p.V829I) alteration is located in exon 18 (coding exon 17) of the CTNNA2 gene. This alteration results from a G to A substitution at nucleotide position 2485, causing the valine (V) at amino acid position 829 to be replaced by an isoleucine (I). Based on data from the Genome Aggregation Database (gnomAD) database, the CTNNA2 c.2485G>A alteration was observed in 0.04% (120/280122) of total alleles studied, with a frequency of 0.09% (110/128056) in the European (non-Finnish) subpopulation. This amino acid position is highly conserved in available vertebrate species. The p.V829I alteration is predicted to be tolerated by in silico analysis. Based on insufficient or conflicting evidence, the clinical significance of this alteration remains unclear.

GeneDx
Classification: Uncertain significance. Last evaluated: 2023-11-11. Review status: criteria provided, single submitter. Criteria: GeneDx Variant Classification Process June 2021. Collection method: clinical testing. Allele origin: germline. Affected: yes.
Comment: In silico analysis supports that this missense variant does not alter protein structure/function; Has not been previously published as pathogenic or benign to our knowledge

PreventionGenetics, part of Exact Sciences
Classification: Uncertain significance for CTNNA2-related condition. Last evaluated: 2022-10-27. Review status: criteria provided, single submitter. Criteria: ACMG Guidelines, 2015. Collection method: clinical testing. Allele origin: germline.
Comment: The CTNNA2 c.2629G>A variant is predicted to result in the amino acid substitution p.Val877Ile. To our knowledge, this variant has not been reported in the literature. This variant is reported in 0.086% of alleles in individuals of European (Non-Finnish) descent in gnomAD. Although we suspect that this variant may be benign, at this time, the clinical significance of this variant is uncertain due to the absence of conclusive functional and genetic evidence.